The following is an entry in ClinVar:

ClinVar aggregate classification (germline): Uncertain significance (1 of 4 stars; one submission).

Conditions:
Cardiovascular phenotype. Identifiers: MedGen CN230736.

Submission:

Ambry Genetics
Classification: Uncertain significance for Cardiovascular phenotype. Last evaluated: 2025-10-05. Review status: criteria provided, single submitter. Criteria: Ambry Variant Classification Scheme 2023. Collection method: clinical testing. Allele origin: germline.
Comment: The p.P608A variant (also known as c.1822C>G), located in coding exon 11 of the CBL gene, results from a C to G substitution at nucleotide position 1822. The proline at codon 608 is replaced by alanine, an amino acid with highly similar properties. This amino acid position is conserved. In addition, this alteration is predicted to be tolerated by in silico analysis. Based on the available evidence, the clinical significance of this variant remains unclear.

NM_005188.4(CBL):c.1822C>G (p.Pro608Ala)

Gene: CBL (Cbl proto-oncogene; plus strand). Cytogenetic location: 11q23.3.
Variant type: single nucleotide variant.
Coding change: c.1822C>G on transcript NM_005188.4 (MANE Select); coding-DNA position 1822, C replaced by G.
Protein change: p.Pro608Ala; replaces proline 608 with alanine.
Molecular consequence: missense variant.
Genome position (GRCh38, 1-based): chr11:119,285,447, C>G. VCF-style: chr11-119285447-C-G. GRCh37 (hg19) VCF-style: chr11-119156157-C-G.
Other names: short protein forms P608A.
Identifiers: ClinVar variation 4613828 (VCV004613828.1).